The following is an entry in ClinVar:

NM_001082486.1(ACD):c.203C>T (p.Ala68Val)

Gene: ACD (ACD shelterin complex subunit and telomerase recruitment factor; minus strand). Cytogenetic location: 16q22.1.
Variant type: single nucleotide variant.
Coding change: c.203C>T on transcript NM_001082486.1; coding-DNA position 203, C replaced by T.
Protein change: p.Ala68Val; replaces alanine 68 with valine.
Genome position (GRCh38, 1-based): chr16:67,660,276, G>A on the plus strand (C>T on the coding strand, the complement: ACD is on the minus strand). VCF-style: chr16-67660276-G-A. GRCh37 (hg19) VCF-style: chr16-67694179-G-A.
Other names: short protein forms A68V.
Identifiers: ClinVar variation 1784876 (VCV001784876.2), dbSNP rs2543612211, ClinGen allele CA396359420.

ClinVar aggregate classification (germline): Uncertain significance (1 of 4 stars; one submission).

Conditions:
Inborn genetic diseases. Identifiers: MedGen C0950123, MeSH D030342.

Allele frequency attached by ClinVar (database versions not stated): gnomAD exomes below 0.00001.

Submission:

Ambry Genetics
Classification: Uncertain significance for Inborn genetic diseases. Last evaluated: 2021-07-14. Review status: criteria provided, single submitter. Criteria: Ambry Variant Classification Scheme 2023. Collection method: clinical testing. Allele origin: germline.
Comment: The p.A68V variant (also known as c.203C>T), located in coding exon 1 of the ACD gene, results from a C to T substitution at nucleotide position 203. The alanine at codon 68 is replaced by valine, an amino acid with similar properties. This amino acid position is conserved. In addition, this alteration is predicted to be tolerated by in silico analysis. Since supporting evidence is limited at this time, the clinical significance of this alteration remains unclear.